The following is an entry in ClinVar:

ClinVar aggregate classification (germline): Uncertain significance. Review status: criteria provided, single submitter (1 of 4 stars). 2 submissions from 2 submitters: Uncertain significance (1). 1 of the submissions does not count toward it. Last evaluated 2021-09-01.

Conditions:
Autosomal recessive polycystic kidney disease (ARPKD). Also called: AR polycystic kidney disease. Identifiers: Orphanet 731, Orphanet 8378, MedGen C0085548, MeSH D017044, MONDO:0009889.

Submissions (2):

Labcorp Genetics (formerly Invitae), Labcorp
Classification: Uncertain significance for Autosomal recessive polycystic kidney disease. Last evaluated: 2021-09-01. Review status: criteria provided, single submitter. Criteria: Invitae Variant Classification Sherloc (09022015). Collection method: clinical testing. Allele origin: germline.
Comment: This sequence change replaces proline with leucine at codon 1658 of the PKHD1 protein (p.Pro1658Leu). The proline residue is highly conserved and there is a moderate physicochemical difference between proline and leucine. This variant is not present in population databases (ExAC no frequency). This variant has not been reported in the literature in individuals affected with PKHD1-related conditions. Algorithms developed to predict the effect of missense changes on protein structure and function are either unavailable or do not agree on the potential impact of this missense change (SIFT: "Deleterious"; PolyPhen-2: "Probably Damaging"; Align-GVGD: "Class C0"). In summary, the available evidence is currently insufficient to determine the role of this variant in disease. Therefore, it has been classified as a Variant of Uncertain Significance.

Natera, Inc.
Classification: Uncertain significance for Autosomal recessive polycystic kidney disease. Last evaluated: 2020-09-16. Review status: no assertion criteria provided. Collection method: clinical testing. Allele origin: germline. Not counted in ClinVar's aggregate classification.

NM_138694.4(PKHD1):c.4973C>T (p.Pro1658Leu)

Genes: PKHD1 (PKHD1 ciliary IPT domain containing fibrocystin/polyductin; minus strand), LOC126859690 (MED14-independent group 3 enhancer GRCh37_chr6:51888848-51890047; plus strand). Cytogenetic location: 6p12.2.
Variant type: single nucleotide variant.
Coding change: c.4973C>T on transcript NM_138694.4 (MANE Select); coding-DNA position 4973, C replaced by T.
Protein change: p.Pro1658Leu; replaces proline 1658 with leucine.
Molecular consequence: missense variant.
Genome position (GRCh38, 1-based): chr6:52,024,837, G>A on the plus strand (C>T on the coding strand, the complement: PKHD1 is on the minus strand). VCF-style: chr6-52024837-G-A. GRCh37 (hg19) VCF-style: chr6-51889635-G-A.
Other names: c.4973C>T, p.Pro1658Leu (NM_170724.3); short protein forms P1658L.
Identifiers: ClinVar variation 458600 (VCV000458600.7), dbSNP rs1554198203, ClinGen allele CA364430321.